The following is an entry in ClinVar:

ClinVar aggregate classification (germline): Pathogenic (1 of 4 stars; one submission).

Submission:

GeneDx
Classification: Pathogenic. Last evaluated: 2025-04-14. Review status: criteria provided, single submitter. Criteria: GeneDx Variant Classification Process June 2021. Collection method: clinical testing. Allele origin: germline. Affected: yes.
Comment: Frameshift variant predicted to result in protein truncation or nonsense mediated decay in a gene for which loss-of-function is a known mechanism of disease; Not observed at significant frequency in large population cohorts (gnomAD); Has not been previously published as pathogenic or benign to our knowledge

NM_013275.6(ANKRD11):c.4289_4320delinsCGG (p.Lys1430fs)

Gene: ANKRD11 (ankyrin repeat domain containing 11; minus strand). Cytogenetic location: 16q24.3.
Variant type: Indel.
Coding change: c.4289_4320delinsCGG on transcript NM_013275.6 (MANE Select); coding-DNA positions 4289 to 4320, the reference bases replaced by CGG.
Protein change: p.Lys1430fs; shifts the reading frame from lysine 1430.
Molecular consequence: frameshift variant.
Genome position (GRCh38, 1-based): chr16:89,282,222-89,282,253, 32 bases replaced. GRCh37 (hg19): chr16:89,348,630-89,348,661.
Other names: c.4289_4320delinsCGG, p.Lys1430fs (NM_001256182.2, NM_001256183.2); short protein forms K1430fs.
Identifiers: ClinVar variation 4282423 (VCV004282423.1).